The following is an entry in ClinVar:

ClinVar aggregate classification (germline): Uncertain significance (1 of 4 stars; one submission).

Conditions:
Cardiovascular phenotype. Identifiers: MedGen CN230736.

gnomAD v4.1: 1 of 1,614,250 alleles (0.000062%); highest among the groups gnomAD compares: Non-Finnish European, 0.000085%; no homozygotes.

Submission:

Ambry Genetics
Classification: Uncertain significance for Cardiovascular phenotype. Last evaluated: 2022-02-14. Review status: criteria provided, single submitter. Criteria: Ambry Variant Classification Scheme 2023. Collection method: clinical testing. Allele origin: germline.
Comment: The p.L1659V variant (also known as c.4975C>G), located in coding exon 32 of the MYH6 gene, results from a C to G substitution at nucleotide position 4975. The leucine at codon 1659 is replaced by valine, an amino acid with highly similar properties. This amino acid position is conserved. In addition, the in silico prediction for this alteration is inconclusive. Since supporting evidence is limited at this time, the clinical significance of this alteration remains unclear.

NM_002471.4(MYH6):c.4975C>G (p.Leu1659Val)

Genes: MYH6 (myosin heavy chain 6; minus strand), LOC126861896 (BRD4-independent group 4 enhancer GRCh37_chr14:23854904-23856103; plus strand). Cytogenetic location: 14q11.2.
Variant type: single nucleotide variant.
Coding change: c.4975C>G on transcript NM_002471.4 (MANE Select); coding-DNA position 4975, C replaced by G.
Protein change: p.Leu1659Val; replaces leucine 1659 with valine.
Molecular consequence: missense variant.
Genome position (GRCh38, 1-based): chr14:23,386,116, G>C on the plus strand (C>G on the coding strand, the complement: MYH6 is on the minus strand). VCF-style: chr14-23386116-G-C. GRCh37 (hg19) VCF-style: chr14-23855325-G-C.
Other names: short protein forms L1659V.
Identifiers: ClinVar variation 1744490 (VCV001744490.2), dbSNP rs1231975561, ClinGen allele CA388990514.